The following is an entry in ClinVar:

NM_004082.5(DCTN1):c.2835C>T (p.Leu945=)

Gene: DCTN1 (dynactin subunit 1; minus strand). Cytogenetic location: 2p13.1.
Variant type: single nucleotide variant.
Coding change: c.2835C>T on transcript NM_004082.5 (MANE Select); coding-DNA position 2835, C replaced by T.
Protein change: p.Leu945=; no amino-acid change (leucine 945 retained).
Molecular consequence: synonymous variant. On other transcripts: non-coding transcript variant (1).
Genome position (GRCh38, 1-based): chr2:74,365,944, G>A on the plus strand (C>T on the coding strand, the complement: DCTN1 is on the minus strand). VCF-style: chr2-74365944-G-A. GRCh37 (hg19) VCF-style: chr2-74593071-G-A.
Other names: c.2775C>T, p.Leu925= (NM_001135040.3); c.2433C>T, p.Leu811= (NM_001135041.3, NM_023019.4); c.2724C>T, p.Leu908= (NM_001190836.2); c.2814C>T, p.Leu938= (NM_001190837.2); c.2784C>T, p.Leu928= (NM_001378991.1); c.2766C>T, p.Leu922= (NM_001378992.1); c.2835C>T (NM_004082.4).
Identifiers: ClinVar variation 1123887 (VCV001123887.35), dbSNP rs138305126, ClinGen allele CA1721705.

ClinVar aggregate classification (germline): Likely benign. Review status: criteria provided, multiple submitters, no conflicts (2 of 4 stars). 4 submissions from 4 submitters: Likely benign (4). Last evaluated 2025-10-02.

Conditions:
Amyotrophic lateral sclerosis type 1 (ALS1). Also called: AMYOTROPHIC LATERAL SCLEROSIS 1, FAMILIAL. Identifiers: Orphanet 803, MedGen C1862939, MONDO:0007103, OMIM 105400.
Neuronopathy, distal hereditary motor, type 7B. Also called: Distal Hereditary Motor Neuronopathy Type 7B (dHMN7B); HMN VIIB; LOWER MOTOR NEURON DISEASE, DYNACTIN TYPE; NEURONOPATHY, DISTAL HEREDITARY MOTOR, AUTOSOMAL DOMINANT 14; NEURONOPATHY, DISTAL HEREDITARY MOTOR, HARDING TYPE VIIB; NEUROPATHY, DISTAL HEREDITARY MOTOR, HARDING TYPE VIIB. Identifiers: Orphanet 139589, MedGen C1843315, MONDO:0011879, OMIM 607641.
Perry syndrome. Also called: PARKINSONISM WITH ALVEOLAR HYPOVENTILATION AND MENTAL DEPRESSION. Identifiers: Orphanet 178509, MedGen C1868594, MONDO:0008201, OMIM 168605.
DCTN1-related disorder. Also called: DCTN1-related condition.

gnomAD v4.1: 130 of 1,613,924 alleles (0.0081%); highest among the groups gnomAD compares: Non-Finnish European, 0.01%; 1 homozygote.

Submissions (4):

Labcorp Genetics (formerly Invitae), Labcorp
Classification: Likely benign for Amyotrophic lateral sclerosis type 1; Neuronopathy, distal hereditary motor, type 7B; Perry syndrome. Last evaluated: 2025-10-02. Review status: criteria provided, single submitter. Criteria: Invitae Variant Classification Sherloc (09022015). Collection method: clinical testing. Allele origin: germline.

Women's Health and Genetics/Laboratory Corporation of America, LabCorp
Classification: Likely benign. Last evaluated: 2024-12-24. Review status: criteria provided, single submitter. Criteria: LabCorp Variant Classification Summary - May 2015. Collection method: clinical testing. Allele origin: germline.

PreventionGenetics, part of Exact Sciences
Classification: Likely benign for DCTN1-related condition. Last evaluated: 2024-12-19. Review status: criteria provided, single submitter. Criteria: ACMG Guidelines, 2015. Collection method: clinical testing. Allele origin: germline.
Comment: This variant is classified as likely benign based on ACMG/AMP sequence variant interpretation guidelines (Richards et al. 2015 PMID: 25741868, with internal and published modifications).

CeGaT Center for Human Genetics Tuebingen
Classification: Likely benign. Last evaluated: 2022-08-01. Review status: criteria provided, single submitter. Criteria: CeGaT Center For Human Genetics Tuebingen Variant Classification Criteria Version 2. Collection method: clinical testing. Allele origin: germline. Affected: yes. Observed: 1 variant allele.
Comment: DCTN1: BP4, BP7